The following is an entry in ClinVar:

ClinVar aggregate classification (germline): Benign/Likely benign. Review status: criteria provided, multiple submitters, no conflicts (2 of 4 stars). 6 submissions from 6 submitters: Benign (1); Likely benign (4). 1 of the submissions does not count toward it. Last evaluated 2026-07-01.

Conditions:
VPS13A-related neurodegenerative disease. Also called: LEVINE-CRITCHLEY SYNDROME; Choreaacanthocytosis; Chorea-acanthocytosis; Choreoacanthocytosis; VPS13A Disease; ACANTHOCYTOSIS WITH NEUROLOGIC DISORDER. Identifiers: Orphanet 2388, MedGen C0393576, MONDO:0008695, OMIM 200150.

Allele frequency attached by ClinVar (database versions not stated): gnomAD exomes 0.00080; ExAC 0.00095; gnomAD 0.00311 and 0.00338; TOPMed 0.00353; ESP Exome Variant Server 0.00356; 1000 Genomes Project 0.00359; 1000 Genomes Project 30x 0.00375.
gnomAD v4.1: 907 of 1,600,224 alleles (0.057%); highest among the groups gnomAD compares: African/African-American, 1.1%; 3 homozygotes.

Submissions (6):

CeGaT Center for Human Genetics Tuebingen
Classification: Likely benign. Last evaluated: 2026-07-01. Review status: criteria provided, single submitter. Criteria: CeGaT Center For Human Genetics Tuebingen Variant Classification Criteria Version 2. Collection method: clinical testing. Allele origin: germline. Affected: yes. Observed: 2 variant alleles.
Comment: VPS13A: BP4, BS1

Labcorp Genetics (formerly Invitae), Labcorp
Classification: Benign. Last evaluated: 2026-01-26. Review status: criteria provided, single submitter. Criteria: Invitae Variant Classification Sherloc (09022015). Collection method: clinical testing. Allele origin: germline.

Blueprint Genetics
Classification: Likely benign. Last evaluated: 2024-11-11. Review status: criteria provided, single submitter. Criteria: ACMG Guidelines, 2015. Collection method: clinical testing. Allele origin: germline.

GeneDx
Classification: Likely benign. Last evaluated: 2021-07-06. Review status: criteria provided, single submitter. Criteria: GeneDx Variant Classification Process June 2021. Collection method: clinical testing. Allele origin: germline. Affected: yes.

Illumina Laboratory Services, Illumina
Classification: Likely benign for VPS13A-related neurodegenerative disease. Last evaluated: 2018-01-12. Review status: criteria provided, single submitter. Criteria: ICSL Variant Classification Criteria 13 December 2019. Collection method: clinical testing. Allele origin: germline.
Comment: This variant was observed in the ICSL laboratory as part of a predisposition screen in an ostensibly healthy population. It had not been previously curated by ICSL or reported in the Human Gene Mutation Database (HGMD: prior to June 1st, 2018), and was therefore a candidate for classification through an automated scoring system. Utilizing variant allele frequency, disease prevalence and penetrance estimates, and inheritance mode, an automated score was calculated to assess if this variant is too frequent to cause the disease. Based on the score and internal cut-off values, a variant classified as likely benign is not then subjected to further curation. The score for this variant resulted in a classification of likely benign for this disease.

Natera, Inc.
Classification: Benign for Choreaacanthocytosis. Last evaluated: 2020-09-16. Review status: no assertion criteria provided. Collection method: clinical testing. Allele origin: germline. Not counted in ClinVar's aggregate classification.

NM_033305.3(VPS13A):c.101-7T>C

Gene: VPS13A (vacuolar protein sorting 13 homolog A; plus strand). Cytogenetic location: 9q21.2.
Variant type: single nucleotide variant.
Coding change: c.101-7T>C on transcript NM_033305.3 (MANE Select); 7 bases into the intron before coding-DNA position 101, T replaced by C.
Molecular consequence: intron variant.
Genome position (GRCh38, 1-based): chr9:77,199,938, T>C. VCF-style: chr9-77199938-T-C. GRCh37 (hg19) VCF-style: chr9-79814854-T-C.
Other names: c.101-7T>C (NM_001018037.2, NM_015186.4, NM_001018038.3).
Identifiers: ClinVar variation 695921 (VCV000695921.43), dbSNP rs190684534, ClinGen allele CA5091225.